The following is an entry in ClinVar:

ClinVar aggregate classification (germline): Uncertain significance (1 of 4 stars; one submission).

Submission:

GeneDx
Classification: Uncertain significance. Last evaluated: 2026-03-10. Review status: criteria provided, single submitter. Criteria: GeneDx Variant Classification Process June 2021. Collection method: clinical testing. Allele origin: germline.
Comment: Not observed at significant frequency in large population cohorts (gnomAD); Frameshift variant predicted to result in abnormal protein length as the last 40 amino acid(s) are replaced with 11 different amino acid(s); Has not been previously published as pathogenic or benign to our knowledge

NM_003620.4(PPM1D):c.1695dup (p.Leu566fs)

Gene: PPM1D (protein phosphatase, Mg2+/Mn2+ dependent 1D; plus strand). Cytogenetic location: 17q23.2.
Variant type: Duplication.
Coding change: c.1695dup on transcript NM_003620.4 (MANE Select); coding-DNA position 1695, one base duplicated (T; older notation c.1695dupT).
Protein change: p.Leu566fs; shifts the reading frame from leucine 566.
Molecular consequence: frameshift variant.
Genome position (GRCh38, 1-based): chr17:60,663,429, T duplicated. VCF-style (leftmost placement, unchanged base first): chr17-60663428-G-GT. GRCh37 (hg19) VCF-style: chr17-58740789-G-GT.
Other names: short protein forms L566fs.
Identifiers: ClinVar variation 5008683 (VCV005008683.1).